The following is an entry in ClinVar:

NM_014946.4(SPAST):c.1600C>A (p.Leu534Ile)

Gene: SPAST (spastin; plus strand). Cytogenetic location: 2p22.3.
Variant type: single nucleotide variant.
Coding change: c.1600C>A on transcript NM_014946.4 (MANE Select); coding-DNA position 1600, C replaced by A.
Protein change: p.Leu534Ile; replaces leucine 534 with isoleucine.
Molecular consequence: missense variant.
Genome position (GRCh38, 1-based): chr2:32,143,399, C>A. VCF-style: chr2-32143399-C-A. GRCh37 (hg19) VCF-style: chr2-32368468-C-A.
Other names: c.1597C>A, p.Leu533Ile (NM_001363823.2); c.1501C>A, p.Leu501Ile (NM_001363875.2); c.1504C>A, p.Leu502Ile (NM_001377959.1, NM_199436.2); short protein forms L501I, L533I, L534I, L502I.
Identifiers: ClinVar variation 2954880 (VCV002954880.3), dbSNP rs1553319314, ClinGen allele CA346503830.

ClinVar aggregate classification (germline): Uncertain significance (1 of 4 stars; one submission).

Conditions:
Hereditary spastic paraplegia 4. Also called: Spastic paraplegia 4, autosomal dominant; Spastic Paraplegia 4; Familial spastic paraplegia autosomal dominant 2. Identifiers: Orphanet 100985, MedGen C1866855, MONDO:0008438, OMIM 182601.

gnomAD v4.1: 1 of 1,605,676 alleles (0.000062%); highest among the groups gnomAD compares: African/African-American, 0.0013%; no homozygotes.

Submission:

Labcorp Genetics (formerly Invitae), Labcorp
Classification: Uncertain significance for Hereditary spastic paraplegia 4. Last evaluated: 2023-10-04. Review status: criteria provided, single submitter. Criteria: Invitae Variant Classification Sherloc (09022015). Collection method: clinical testing. Allele origin: germline.
Comment: This sequence change replaces leucine, which is neutral and non-polar, with isoleucine, which is neutral and non-polar, at codon 534 of the SPAST protein (p.Leu534Ile). This variant is not present in population databases (gnomAD no frequency). This variant has not been reported in the literature in individuals affected with SPAST-related conditions. Advanced modeling of protein sequence and biophysical properties (such as structural, functional, and spatial information, amino acid conservation, physicochemical variation, residue mobility, and thermodynamic stability) performed at Invitae indicates that this missense variant is not expected to disrupt SPAST protein function. This variant disrupts the p.Leu534 amino acid residue in SPAST. Other variant(s) that disrupt this residue have been determined to be pathogenic (PMID: 12939659, 19875132; Invitae). This suggests that this residue is clinically significant, and that variants that disrupt this residue are likely to be disease-causing. In summary, the available evidence is currently insufficient to determine the role of this variant in disease. Therefore, it has been classified as a Variant of Uncertain Significance.

Literature cited by the submitters: PubMed 12939659; PubMed 19875132.